The following is an entry in ClinVar:

ClinVar aggregate classification (germline): Uncertain significance (1 of 4 stars; one submission).

Allele frequency attached by ClinVar (database versions not stated): ExAC 0.00001.

Submission:

Labcorp Genetics (formerly Invitae), Labcorp
Classification: Uncertain significance. Last evaluated: 2022-05-18. Review status: criteria provided, single submitter. Criteria: Invitae Variant Classification Sherloc (09022015). Collection method: clinical testing. Allele origin: germline.
Comment: This sequence change replaces proline, which is neutral and non-polar, with serine, which is neutral and polar, at codon 579 of the CNTNAP1 protein (p.Pro579Ser). This variant is present in population databases (rs770312444, gnomAD 0.004%). This variant has not been reported in the literature in individuals affected with CNTNAP1-related conditions. Algorithms developed to predict the effect of missense changes on protein structure and function (SIFT, PolyPhen-2, Align-GVGD) all suggest that this variant is likely to be tolerated. In summary, the available evidence is currently insufficient to determine the role of this variant in disease. Therefore, it has been classified as a Variant of Uncertain Significance.

NM_003632.3(CNTNAP1):c.1735C>T (p.Pro579Ser)

Gene: CNTNAP1 (contactin associated protein 1; plus strand). Cytogenetic location: 17q21.2.
Variant type: single nucleotide variant.
Coding change: c.1735C>T on transcript NM_003632.3 (MANE Select); coding-DNA position 1735, C replaced by T.
Protein change: p.Pro579Ser; replaces proline 579 with serine.
Molecular consequence: missense variant.
Genome position (GRCh38, 1-based): chr17:42,689,627, C>T. VCF-style: chr17-42689627-C-T. GRCh37 (hg19) VCF-style: chr17-40841645-C-T.
Other names: short protein forms P579S.
Identifiers: ClinVar variation 2170810 (VCV002170810.1), dbSNP rs770312444, ClinGen allele CA8581861.